The following is an entry in ClinVar:

NM_000426.4(LAMA2):c.9340G>C (p.Val3114Leu)

Gene: LAMA2 (laminin subunit alpha 2; plus strand). Cytogenetic location: 6q22.33.
Variant type: single nucleotide variant.
Coding change: c.9340G>C on transcript NM_000426.4 (MANE Select); coding-DNA position 9340, G replaced by C.
Protein change: p.Val3114Leu; replaces valine 3114 with leucine.
Molecular consequence: missense variant.
Genome position (GRCh38, 1-based): chr6:129,516,318, G>C. VCF-style: chr6-129516318-G-C. GRCh37 (hg19) VCF-style: chr6-129837463-G-C.
Other names: c.9328G>C, p.Val3110Leu (NM_001079823.2); short protein forms V3114L, V3110L.
Identifiers: ClinVar variation 1499998 (VCV001499998.5), dbSNP rs200796753, ClinGen allele CA365637488.
Genomic context (GRCh38, chr6:129,516,318, plus strand): 5'-ACCAAAGGCACAGGCAAGCCACTGGAGGTTAATTTTGCCAAGGCCCTGGAACTGAGGGGC[G>C]TTCAACCTGTATCATGCCCAGCCAACTAATAAAAATAAGTGTAACCCCAGGAAGAGTCTG-3'
Protein context (NP_000417.3, residues 3104-3122): NFAKALELRG[Val3114Leu]QPVSCPAN

ClinVar aggregate classification (germline): Uncertain significance (1 of 4 stars; one submission).

Conditions:
LAMA2-related muscular dystrophy (LAMA2-RD). Also called: Laminin alpha 2-related dystrophy. Identifiers: MedGen C5679788, MONDO:0100228.

gnomAD v4.1: 6 of 1,614,088 alleles (0.00037%); highest among the groups gnomAD compares: East Asian, 0.013%; no homozygotes.

Submission:

Labcorp Genetics (formerly Invitae), Labcorp
Classification: Uncertain significance for LAMA2-related muscular dystrophy. Last evaluated: 2021-08-24. Review status: criteria provided, single submitter. Criteria: Invitae Variant Classification Sherloc (09022015). Collection method: clinical testing. Allele origin: germline.
Comment: This sequence change replaces valine with leucine at codon 3114 of the LAMA2 protein (p.Val3114Leu). The valine residue is moderately conserved and there is a small physicochemical difference between valine and leucine. This variant is not present in population databases (ExAC no frequency). This variant has not been reported in the literature in individuals affected with LAMA2-related conditions. Algorithms developed to predict the effect of missense changes on protein structure and function are either unavailable or do not agree on the potential impact of this missense change (SIFT: "Tolerated"; PolyPhen-2: "Probably Damaging"; Align-GVGD: "Class C0"). In summary, the available evidence is currently insufficient to determine the role of this variant in disease. Therefore, it has been classified as a Variant of Uncertain Significance.